The following is an entry in ClinVar:

ClinVar aggregate classification (germline): Pathogenic (1 of 4 stars; one submission).

Conditions:
Amelocerebrohypohidrotic syndrome (KTZS). Also called: Kohlschutter's syndrome; EPILEPSY AND YELLOW TEETH; EPILEPSY, DEMENTIA, AND AMELOGENESIS IMPERFECTA; KOHLSCHUTTER SYNDROME. Identifiers: Orphanet 1946, MedGen C0406740, MONDO:0009185, OMIM 226750.

Submission:

Labcorp Genetics (formerly Invitae), Labcorp
Classification: Pathogenic for Amelocerebrohypohidrotic syndrome. Last evaluated: 2022-10-17. Review status: criteria provided, single submitter. Criteria: Invitae Variant Classification Sherloc (09022015). Collection method: clinical testing. Allele origin: germline.
Comment: For these reasons, this variant has been classified as Pathogenic. Algorithms developed to predict the effect of sequence changes on RNA splicing suggest that this variant may create or strengthen a splice site. ClinVar contains an entry for this variant (Variation ID: 1453406). This variant has not been reported in the literature in individuals affected with ROGDI-related conditions. This variant is not present in population databases (gnomAD no frequency). This sequence change creates a premature translational stop signal (p.Ile194Serfs*44) in the ROGDI gene. It is expected to result in an absent or disrupted protein product. Loss-of-function variants in ROGDI are known to be pathogenic (PMID: 22424600, 23086778).

Literature cited by the submitters: PubMed 22424600; PubMed 23086778.

NM_024589.3(ROGDI):c.581_593del (p.Ile194fs)

Gene: ROGDI (rogdi atypical leucine zipper; minus strand). Cytogenetic location: 16p13.3.
Variant type: Deletion.
Coding change: c.581_593del on transcript NM_024589.3 (MANE Select); coding-DNA positions 581 to 593, 13 bases deleted (TCAACCTCAACAA).
Protein change: p.Ile194fs; shifts the reading frame from isoleucine 194.
Molecular consequence: frameshift variant. On other transcripts: non-coding transcript variant (1).
Genome position (GRCh38, 1-based): chr16:4,798,123-4,798,135, TTGTTGAGGTTGA deleted on the plus strand (TCAACCTCAACAA on the coding strand, the reverse complement: ROGDI is on the minus strand); deleting any 13 consecutive bases within chr16:4,798,123-4,798,136 gives the same sequence; the c. name uses the placement nearest the transcript's 3' end. VCF-style (leftmost placement, unchanged base first): chr16-4798122-CTTGTTGAGGTTGA-C. GRCh37 (hg19) VCF-style: chr16-4848123-CTTGTTGAGGTTGA-C.
Other names: short protein forms I194fs.
Identifiers: ClinVar variation 1453406 (VCV001453406.6), dbSNP rs2141906388, ClinGen allele CA2573152064.